The following is an entry in ClinVar:

ClinVar aggregate classification (germline): Likely benign. Review status: criteria provided, multiple submitters, no conflicts (2 of 4 stars). 4 submissions from 4 submitters: Likely benign (3). 1 of the submissions does not count toward it. Last evaluated 2026-01-10.

Conditions:
SUFU-related disorder. Also called: SUFU-related condition; SUFU-related disorders.
Medulloblastoma (MDB). Also called: MEDULLOBLASTOMA PREDISPOSITION SYNDROME; Medulloblastoma, somatic. Identifiers: Orphanet 616, MedGen C0025149, MeSH D008527, MONDO:0007959, OMIM 155255, HP:0002885.
Gorlin syndrome. Also called: Nevoid Basal Cell Carcinoma Syndrome; Basal cell nevus syndrome. Identifiers: Orphanet 377, MedGen C0004779, MONDO:0007187.
Hereditary cancer-predisposing syndrome. Also called: Tumor predisposition; Hereditary neoplastic syndrome; Hereditary Cancer Syndrome; Neoplastic Syndromes, Hereditary. Identifiers: Orphanet 140162, MedGen C0027672, MeSH D009386, MONDO:0015356.

Allele frequency attached by ClinVar (database versions not stated): gnomAD exomes 0.00002 and 0.00006; ExAC 0.00007; gnomAD 0.00007 and 0.00009; TOPMed 0.00008; ESP Exome Variant Server 0.00015.
gnomAD v4.1: 40 of 1,613,794 alleles (0.0025%); highest among the groups gnomAD compares: African/African-American, 0.021%; no homozygotes.

Submissions (4):

Labcorp Genetics (formerly Invitae), Labcorp
Classification: Likely benign for Gorlin syndrome; Medulloblastoma. Last evaluated: 2026-01-10. Review status: criteria provided, single submitter. Criteria: Invitae Variant Classification Sherloc (09022015). Collection method: clinical testing. Allele origin: germline.

CeGaT Center for Human Genetics Tuebingen
Classification: Likely benign. Last evaluated: 2025-07-01. Review status: criteria provided, single submitter. Criteria: CeGaT Center For Human Genetics Tuebingen Variant Classification Criteria Version 2. Collection method: clinical testing. Allele origin: germline. Affected: yes. Observed: 1 variant allele.
Comment: SUFU: BP4, BP7

Ambry Genetics
Classification: Likely benign for Hereditary cancer-predisposing syndrome. Last evaluated: 2018-01-22. Review status: criteria provided, single submitter. Criteria: Ambry Variant Classification Scheme 2023. Collection method: clinical testing. Allele origin: germline.

PreventionGenetics, part of Exact Sciences
Classification: Likely benign for SUFU-related condition. Last evaluated: 2022-10-28. Review status: no assertion criteria provided. Collection method: clinical testing. Allele origin: germline. Not counted in ClinVar's aggregate classification.
Comment: This variant is classified as likely benign based on ACMG/AMP sequence variant interpretation guidelines (Richards et al. 2015 PMID: 25741868, with internal and published modifications).

NM_016169.4(SUFU):c.879C>T (p.Ile293=)

Gene: SUFU (SUFU negative regulator of hedgehog signaling; plus strand). Cytogenetic location: 10q24.32.
Variant type: single nucleotide variant.
Coding change: c.879C>T on transcript NM_016169.4 (MANE Select); coding-DNA position 879, C replaced by T.
Protein change: p.Ile293=; no amino-acid change (isoleucine 293 retained).
Molecular consequence: synonymous variant.
Genome position (GRCh38, 1-based): chr10:102,597,262, C>T. VCF-style: chr10-102597262-C-T. GRCh37 (hg19) VCF-style: chr10-104357019-C-T.
Other names: c.879C>T, p.Ile293= (NM_001178133.2).
Identifiers: ClinVar variation 413915 (VCV000413915.25), dbSNP rs370516021, ClinGen allele CA5667795.